The following is an entry in ClinVar:

NM_001904.4(CTNNB1):c.592A>G (p.Ile198Val)

Genes: CTNNB1 (catenin beta 1; plus strand), LOC126806658 (BRD4-independent group 4 enhancer GRCh37_chr3:41265899-41267098; plus strand). Cytogenetic location: 3p22.1.
Variant type: single nucleotide variant.
Coding change: c.592A>G on transcript NM_001904.4 (MANE Select); coding-DNA position 592, A replaced by G.
Protein change: p.Ile198Val; replaces isoleucine 198 with valine.
Molecular consequence: missense variant.
Genome position (GRCh38, 1-based): chr3:41,225,430, A>G. VCF-style: chr3-41225430-A-G. GRCh37 (hg19) VCF-style: chr3-41266921-A-G.
Other names: c.592A>G, p.Ile198Val (NM_001098209.2, NM_001098210.2); c.571A>G, p.Ile191Val (NM_001330729.2); short protein forms I191V, I198V.
Identifiers: ClinVar variation 2098517 (VCV002098517.4), dbSNP rs982974494, ClinGen allele CA74089209.

ClinVar aggregate classification (germline): Uncertain significance (1 of 4 stars; one submission).

Allele frequency attached by ClinVar (database versions not stated): TOPMed below 0.00001; gnomAD 0.00001.
gnomAD v4.1: 38 of 1,613,764 alleles (0.0024%); highest among the groups gnomAD compares: Non-Finnish European, 0.0031%; no homozygotes.

Submission:

Labcorp Genetics (formerly Invitae), Labcorp
Classification: Uncertain significance. Last evaluated: 2022-10-10. Review status: criteria provided, single submitter. Criteria: Invitae Variant Classification Sherloc (09022015). Collection method: clinical testing. Allele origin: germline.
Comment: In summary, the available evidence is currently insufficient to determine the role of this variant in disease. Therefore, it has been classified as a Variant of Uncertain Significance. Algorithms developed to predict the effect of sequence changes on RNA splicing suggest that this variant may disrupt the consensus splice site. Advanced modeling of protein sequence and biophysical properties (such as structural, functional, and spatial information, amino acid conservation, physicochemical variation, residue mobility, and thermodynamic stability) performed at Invitae indicates that this missense variant is not expected to disrupt CTNNB1 protein function. This variant has not been reported in the literature in individuals affected with CTNNB1-related conditions. This variant is present in population databases (no rsID available, gnomAD 0.006%). This sequence change replaces isoleucine, which is neutral and non-polar, with valine, which is neutral and non-polar, at codon 198 of the CTNNB1 protein (p.Ile198Val).